The following is an entry in ClinVar:

ClinVar aggregate classification (germline): Pathogenic. Review status: criteria provided, multiple submitters, no conflicts (2 of 4 stars). 3 submissions from 3 submitters: Pathogenic (3). Last evaluated 2025-06-04.

Conditions:
ACAN-related disorder. Also called: ACAN-related condition; ACAN-related disorders.

gnomAD v4.1: 1 of 1,614,064 alleles (0.000062%); highest among the groups gnomAD compares: Non-Finnish European, 0.000085%; no homozygotes.

Submissions (3):

Labcorp Genetics (formerly Invitae), Labcorp
Classification: Pathogenic. Last evaluated: 2025-06-04. Review status: criteria provided, single submitter. Criteria: Invitae Variant Classification Sherloc (09022015). Collection method: clinical testing. Allele origin: germline.
Comment: This sequence change creates a premature translational stop signal (p.Arg394*) in the ACAN gene. It is expected to result in an absent or disrupted protein product. Loss-of-function variants in ACAN are known to be pathogenic (PMID: 16080123, 24762113). This variant is not present in population databases (gnomAD no frequency). This premature translational stop signal has been observed in individual(s) with idiopathic short stature (PMID: 28939912). For these reasons, this variant has been classified as Pathogenic.

3billion
Classification: Pathogenic for ACAN-related disorder. Last evaluated: 2025-03-26. Review status: criteria provided, single submitter. Criteria: ACMG Guidelines, 2015. Collection method: clinical testing. Allele origin: germline. Affected: yes.

Blueprint Genetics
Classification: Pathogenic for ACAN-related disorders. Last evaluated: 2024-02-02. Review status: criteria provided, single submitter. Criteria: ACMG Guidelines, 2015. Collection method: clinical testing. Allele origin: germline. Affected: yes. Observed: 1 variant allele.

Literature cited by the submitters: PubMed 16080123 (cited by Labcorp Genetics (formerly Invitae), Labcorp); PubMed 24762113 (cited by Labcorp Genetics (formerly Invitae), Labcorp); PubMed 28939912 (cited by Labcorp Genetics (formerly Invitae), Labcorp and 3billion).

NM_001369268.1(ACAN):c.1180C>T (p.Arg394Ter)

Gene: ACAN (aggrecan; plus strand). Cytogenetic location: 15q26.1.
Variant type: single nucleotide variant.
Coding change: c.1180C>T on transcript NM_001369268.1 (MANE Select); coding-DNA position 1180, C replaced by T.
Protein change: p.Arg394Ter; replaces arginine 394 with a stop codon.
Molecular consequence: nonsense.
Genome position (GRCh38, 1-based): chr15:88,845,633, C>T. VCF-style: chr15-88845633-C-T. GRCh37 (hg19) VCF-style: chr15-89388864-C-T.
Other names: c.1180C>T, p.Arg394Ter (NM_001135.4, NM_001411096.1, NM_001411097.1 and 1 more transcripts); short protein forms R394*.
Identifiers: ClinVar variation 4293833 (VCV004293833.3).